The following is an entry in ClinVar:

NM_020778.5(ALPK3):c.2303A>T (p.Lys768Ile)

Gene: ALPK3 (alpha kinase 3; plus strand). Cytogenetic location: 15q25.3.
Variant type: single nucleotide variant.
Coding change: c.2303A>T on transcript NM_020778.5 (MANE Select); coding-DNA position 2303, A replaced by T.
Protein change: p.Lys768Ile; replaces lysine 768 with isoleucine.
Molecular consequence: missense variant.
Genome position (GRCh38, 1-based): chr15:84,857,041, A>T. VCF-style: chr15-84857041-A-T. GRCh37 (hg19) VCF-style: chr15-85400272-A-T.
Other names: short protein forms K768I.
Identifiers: ClinVar variation 3610845 (VCV003610845.2).

ClinVar aggregate classification (germline): Uncertain significance (1 of 4 stars; one submission).

gnomAD v4.1: 1 of 1,614,198 alleles (0.000062%); no homozygotes.

Submission:

Labcorp Genetics (formerly Invitae), Labcorp
Classification: Uncertain significance. Last evaluated: 2024-08-15. Review status: criteria provided, single submitter. Criteria: Invitae Variant Classification Sherloc (09022015). Collection method: clinical testing. Allele origin: germline.
Comment: This sequence change replaces lysine, which is basic and polar, with isoleucine, which is neutral and non-polar, at codon 970 of the ALPK3 protein (p.Lys970Ile). This variant is not present in population databases (gnomAD no frequency). This variant has not been reported in the literature in individuals affected with ALPK3-related conditions. An algorithm developed to predict the effect of missense changes on protein structure and function (PolyPhen-2) suggests that this variant is likely to be tolerated. In summary, the available evidence is currently insufficient to determine the role of this variant in disease. Therefore, it has been classified as a Variant of Uncertain Significance.